The following is an entry in ClinVar:

ClinVar aggregate classification (germline): Uncertain significance (1 of 4 stars; one submission).

Allele frequency attached by ClinVar (database versions not stated): gnomAD exomes below 0.00001 and 0.00001; ExAC 0.00001; gnomAD 0.00001; TOPMed 0.00001.
gnomAD v4.1: 4 of 1,614,090 alleles (0.00025%); highest among the groups gnomAD compares: African/African-American, 0.004%; no homozygotes.

Submission:

Labcorp Genetics (formerly Invitae), Labcorp
Classification: Uncertain significance. Last evaluated: 2021-06-04. Review status: criteria provided, single submitter. Criteria: Invitae Variant Classification Sherloc (09022015). Collection method: clinical testing. Allele origin: germline.
Comment: In summary, the available evidence is currently insufficient to determine the role of this variant in disease. Therefore, it has been classified as a Variant of Uncertain Significance. Algorithms developed to predict the effect of missense changes on protein structure and function are either unavailable or do not agree on the potential impact of this missense change (SIFT: "Not Available"; PolyPhen-2: "Probably Damaging"; Align-GVGD: "Not Available"). This variant has not been reported in the literature in individuals with TIMM50-related conditions. This variant is present in population databases (rs765647335, ExAC 0.01%). This sequence change replaces glycine with aspartic acid at codon 162 of the TIMM50 protein (p.Gly162Asp). The glycine residue is weakly conserved and there is a moderate physicochemical difference between glycine and aspartic acid.

NM_001001563.5(TIMM50):c.176G>A (p.Gly59Asp)

Gene: TIMM50 (translocase of inner mitochondrial membrane 50; plus strand). Cytogenetic location: 19q13.2.
Variant type: single nucleotide variant.
Coding change: c.176G>A on transcript NM_001001563.5 (MANE Select); coding-DNA position 176, G replaced by A.
Protein change: p.Gly59Asp; replaces glycine 59 with aspartic acid.
Molecular consequence: missense variant. On other transcripts: 5 prime UTR variant (1).
Genome position (GRCh38, 1-based): chr19:39,481,950, G>A. VCF-style: chr19-39481950-G-A. GRCh37 (hg19) VCF-style: chr19-39972590-G-A.
Other names: c.-105G>A (NM_001329559.2); short protein forms G59D.
Identifiers: ClinVar variation 1516434 (VCV001516434.7), dbSNP rs765647335, ClinGen allele CA9431694.